The following is an entry in ClinVar:

ClinVar aggregate classification (germline): Uncertain significance. Review status: criteria provided, multiple submitters, no conflicts (2 of 4 stars). 10 submissions from 8 submitters: Uncertain significance (7). 3 of the submissions do not count toward it. Last evaluated 2024-05-15.

Conditions:
Type 2 diabetes mellitus. Also called: Type II diabetes mellitus. Identifiers: MedGen C0011860, MeSH D003924, MONDO:0005148, OMIM 125853, HP:0005978.
Hyperinsulinemic hypoglycemia, familial, 1 (HHF1). Also called: Persistent hyperinsulinemic hypoglycemia of infancy; NESIDIOBLASTOSIS OF PANCREAS; HYPERINSULINISM, FAMILIAL, WITH PANCREATIC NESIDIOBLASTOSIS; Persistent Hyperinsulinemia Hypoglycemia of Infancy; HYPOGLYCEMIA, HYPERINSULINEMIC, OF INFANCY. Identifiers: Orphanet 276575, Orphanet 276598, MedGen C2931832, MONDO:0009734, OMIM 256450.
Leucine-induced hypoglycemia (LIH). Also called: LEUCINE-SENSITIVE HYPOGLYCEMIA OF INFANCY. Identifiers: MedGen C0271714, MONDO:0009415, OMIM 240800.
Diabetes mellitus, transient neonatal, 2 (TNDM2). Identifiers: Orphanet 99886, MedGen C1835887, MONDO:0012480, OMIM 610374. Disease mechanism: loss of function.
Diabetes mellitus, permanent neonatal 3. Also called: ABCC8-Related Permanent Neonatal Diabetes Mellitus. Identifiers: MedGen C5394303, MONDO:0030088, OMIM 618857.
Feeding difficulties. Also called: Poor feeding. Identifiers: MedGen C0232466, HP:0011968.
Growth delay. Also called: Growth retardation. Identifiers: MedGen C0456070, HP:0001510.
Atrial septal defect (ASD). Also called: Interatrial communication; Defect in the atrial septum. Identifiers: Orphanet 1478, MedGen C0018817, MONDO:0006664, HP:0001631.
Small for gestational age. Also called: Low birth weight. Identifiers: MedGen C0235991, HP:0001518.
Short stature. Identifiers: MedGen C0349588, HP:0004322.
Hypoglycemia. Identifiers: MedGen C0020615, MONDO:0004946, HP:0001943.
Neonatal respiratory distress. Identifiers: MedGen C4281993, HP:0002643.
Gastroesophageal reflux. Identifiers: MedGen C4317146, HP:0002020.
Macrotia. Also called: large prominent ears; Large ears. Identifiers: MedGen C0152421, HP:0000400.
Macrocephaly. Also called: Macrocephalus; large head. Identifiers: MedGen C2243051, HP:0000256.
Cardiac shunt. Identifiers: MedGen C0232180, HP:0001693.
Congestive heart failure. Identifiers: MedGen C0018802, MONDO:0005009, HP:0001635.
Inborn genetic diseases. Identifiers: MedGen C0950123, MeSH D030342.
Transitory neonatal diabetes mellitus. Also called: Transient neonatal diabetes mellitus. Identifiers: MedGen C0342273, MONDO:0020525, HP:0008255.
Monogenic diabetes. Identifiers: Orphanet 183625, MedGen C3888631, MONDO:0015967.
Maturity-onset diabetes of the young (MODY). Also called: Maturity onset diabetes mellitus in young. Identifiers: Orphanet 552, MedGen C0342276, MONDO:0018911, HP:0004904.
Permanent neonatal diabetes mellitus (PNDM). Identifiers: Orphanet 99885, MedGen C1833104, MONDO:0100164, MONDO:0011643. Disease mechanism: gain of function.

Allele frequency attached by ClinVar (database versions not stated): gnomAD exomes 0.00001; gnomAD 0.00003 and 0.00002; TOPMed 0.00002; ExAC 0.00002; ESP Exome Variant Server 0.00008.
gnomAD v4.1: 26 of 1,613,952 alleles (0.0016%); highest among the groups gnomAD compares: East Asian, 0.0022%; no homozygotes.

Submissions (10):

Women's Health and Genetics/Laboratory Corporation of America, LabCorp
Classification: Uncertain significance. Last evaluated: 2024-05-15. Review status: criteria provided, single submitter. Criteria: LabCorp Variant Classification Summary - May 2015. Collection method: clinical testing. Allele origin: germline.
Comment: Variant summary: ABCC8 c.3517G>A (p.Val1173Met) results in a conservative amino acid change located in the ABC transporter type 1, transmembrane domain (IPR011527) of the encoded protein sequence. Four of five in-silico tools predict a benign effect of the variant on protein function. The variant allele was found at a frequency of 1.2e-05 in 251412 control chromosomes (gnomAD). The available data on variant occurrences in the general population are insufficient to allow any conclusion about variant significance. c.3517G>A has been reported in the literature in at-least one MODY diagnosed patient that also had a co-occurrence in GCK c.943C>T (Yalcintepe_2021) as well as individuals not affected with diabetes (Billings_2022). These reports do not provide unequivocal conclusions about association of the variant with Neonatal Diabetes Mellitus. To our knowledge, no experimental evidence demonstrating an impact on protein function has been reported. The following publications have been ascertained in the context of this evaluation (PMID: 36208030, 33565752). ClinVar contains an entry for this variant (Variation ID: 35609). Based on the evidence outlined above, the variant was classified as uncertain significance.

Fulgent Genetics
Classification: Uncertain significance for Type 2 diabetes mellitus; Leucine-induced hypoglycemia; Hyperinsulinemic hypoglycemia, familial, 1; Diabetes mellitus, transient neonatal, 2; Diabetes mellitus, permanent neonatal 3. Last evaluated: 2024-04-19. Review status: criteria provided, single submitter. Criteria: ACMG Guidelines, 2015. Collection method: clinical testing. Allele origin: germline.

Ambry Genetics
Classification: Uncertain significance for Inborn genetic diseases. Last evaluated: 2022-11-10. Review status: criteria provided, single submitter. Criteria: Ambry Variant Classification Scheme 2023. Collection method: clinical testing. Allele origin: germline.

Broad Center for Mendelian Genomics, Broad Institute of MIT and Harvard
Classification: Uncertain significance for Monogenic diabetes. Last evaluated: 2020-01-22. Review status: criteria provided, single submitter. Criteria: ACMG Guidelines, 2015. Collection method: curation. Allele origin: germline. Inheritance: Autosomal dominant inheritance.
Comment: The p.Val1173Met variant in ABCC8 has been reported in 1 individual with Monogenic Diabetes in ClinVar (Variation ID: 35609), and has been identified in 0.003098% (4/129110) of European (non-Finnish) chromosomes by the Genome Aggregation Database (gnomAD; dbSNP rs141322087). Although this variant has been seen in the general population, its frequency is low enough to be consistent with a carrier frequency. Please note that for diseases with clinical variability, or reduced penetrance, pathogenic variants may be present at a low frequency in the general population. This variant has also been reported likely pathogenic in ClinVar (Variation ID: 35609). Computational prediction tools and conservation analyses suggest that this variant may not impact the protein, though this information is not predictive enough to rule out pathogenicity. In summary, the clinical significance of the p.Val1173Met variant is uncertain. ACMG/AMP Criteria applied: PM2_Supporting, BP4 (Richards 2015).

Centre for Mendelian Genomics, University Medical Centre Ljubljana
Classification: Uncertain significance for Permanent neonatal diabetes mellitus 1. Last evaluated: 2018-10-24. Review status: criteria provided, single submitter. Criteria: ACMG Guidelines, 2015. Collection method: clinical testing. Allele origin: unknown. Affected: yes.
Comment: This variant was classified as: Uncertain significance. The following ACMG criteria were applied in classifying this variant: PM2,PP2,PP5.

Clinical Genomics, Uppaluri K&H Personalized Medicine Clinic
Classification: Uncertain significance for Maturity-onset diabetes of the young. Review status: criteria provided, single submitter. Criteria: K & H Uppaluri Personalized Medicine Clinic Variant Classification & Assertion Criteria_Updated V.1. Collection method: research. Allele origin: somatic. Inheritance: Somatic mutation.
Comment: Mutations in ABCC8 gene are associated with both neonatal diabetes mellitus as well as MODY. Patients with this mutation may have a better response to sulfonylureas. However, no sufficient evidence is found to ascertain the role of this particular variant ( rs141322087) in MODY yet.

Clinical Genomics, Uppaluri K&H Personalized Medicine Clinic
Classification: Uncertain significance for Transitory neonatal diabetes mellitus. Review status: criteria provided, single submitter. Criteria: K & H Uppaluri Personalized Medicine Clinic Variant Classification & Assertion Criteria_Updated V.1. Collection method: research. Allele origin: somatic. Inheritance: Somatic mutation.
Comment: Mutations in ABCC8 gene are associated with both neonatal diabetes mellitus as well as MODY. Patients with this mutation may have a better response to sulfonylureas. However, no sufficient evidence is found to ascertain the role of this particular variant ( rs141322087) in neonatal diabetes yet.

Diagnostic Laboratory, Department of Genetics, University Medical Center Groningen
Classification: Uncertain significance. Review status: no assertion criteria provided. Collection method: clinical testing. Allele origin: germline. Affected: yes. Study: VKGL Data-share Consensus. Not counted in ClinVar's aggregate classification.

Joint Genome Diagnostic Labs from Nijmegen and Maastricht, Radboudumc and MUMC+
Classification: Uncertain significance. Review status: no assertion criteria provided. Collection method: clinical testing. Allele origin: germline. Affected: yes. Study: VKGL Data-share Consensus. Not counted in ClinVar's aggregate classification.

Centre for Mendelian Genomics, University Medical Centre Ljubljana
Classification: Likely pathogenic for Cardiac shunt; Congestive heart failure; Atrial septal defect; Feeding difficulties; Gastroesophageal reflux; Growth delay; Hypoglycemia; Macrocephaly; Macrotia; Neonatal respiratory distress; Short stature; Small for gestational age. Last evaluated: 2017-01-01. Review status: flagged submission. Criteria: ACMG Guidelines, 2015. Collection method: clinical testing. Allele origin: unknown. Affected: yes. Not counted in ClinVar's aggregate classification.
ClinVar note: Reason: Clinical significance appears to be a case-level interpretation inconsistent with variant classification

Literature cited by the submitters: PubMed 36208030 (cited by Women's Health and Genetics/Laboratory Corporation of America, LabCorp); PubMed 33565752 (cited by Women's Health and Genetics/Laboratory Corporation of America, LabCorp and Ambry Genetics); PubMed 16885549 (cited by Clinical Genomics, Uppaluri K&H Personalized Medicine Clinic); PubMed 21989597 (cited by Clinical Genomics, Uppaluri K&H Personalized Medicine Clinic); PubMed 27538677 (cited by Clinical Genomics, Uppaluri K&H Personalized Medicine Clinic); PubMed 18981553 (cited by Clinical Genomics, Uppaluri K&H Personalized Medicine Clinic); PubMed 32027066 (cited by Clinical Genomics, Uppaluri K&H Personalized Medicine Clinic); PubMed 16613899 (cited by Clinical Genomics, Uppaluri K&H Personalized Medicine Clinic); PubMed 18025408 (cited by Clinical Genomics, Uppaluri K&H Personalized Medicine Clinic); PubMed 32792356 (cited by Clinical Genomics, Uppaluri K&H Personalized Medicine Clinic).

NM_000352.6(ABCC8):c.3517G>A (p.Val1173Met)

Gene: ABCC8 (ATP binding cassette subfamily C member 8; minus strand). Cytogenetic location: 11p15.1.
Variant type: single nucleotide variant.
Coding change: c.3517G>A on transcript NM_000352.6 (MANE Select); coding-DNA position 3517, G replaced by A.
Protein change: p.Val1173Met; replaces valine 1173 with methionine.
Molecular consequence: missense variant. On other transcripts: non-coding transcript variant (1).
Genome position (GRCh38, 1-based): chr11:17,404,552, C>T on the plus strand (G>A on the coding strand, the complement: ABCC8 is on the minus strand). VCF-style: chr11-17404552-C-T. GRCh37 (hg19) VCF-style: chr11-17426099-C-T.
Other names: c.3520G>A, p.Val1174Met (NM_001287174.3); c.3583G>A, p.Val1195Met (NM_001351295.2); c.3517G>A, p.Val1173Met (NM_001351296.2); c.3514G>A, p.Val1172Met (NM_001351297.2); c.3517G>A (NM_000352.4); short protein forms V1173M, V1174M, V1172M, V1195M.
Identifiers: ClinVar variation 35609 (VCV000035609.16), dbSNP rs141322087, ClinGen allele CA213445.
Genomic context (GRCh38, chr11:17,404,552, plus strand): 5'-CTCACCCCTGAGGCCATCACCTGGACGCCACCCGGAAGTACTTCTGGATGAAGTAGCACA[C>T]GATGGCCAGGGGCAAGAGGGCCACGAGGAACACAGGTGTGACATAGGAGATGACGGCCAG-3'
Protein context (NP_000343.2, residues 1163-1183): FLVALLPLAI[Val1173Met]CYFIQKYFRV